The following is an entry in ClinVar:

ClinVar aggregate classification (germline): Uncertain significance (1 of 4 stars; one submission).

Conditions:
Emery-Dreifuss muscular dystrophy (EDMD). Also called: Scapuloperoneal syndrome, X-linked (formerly); Humeroperoneal neuromuscular disease, (formerly). Identifiers: Orphanet 261, MedGen C0410189, MONDO:0016830.

Allele frequency attached by ClinVar (database versions not stated): TOPMed 0.00002.

Submission:

Labcorp Genetics (formerly Invitae), Labcorp
Classification: Uncertain significance for Emery-Dreifuss muscular dystrophy. Last evaluated: 2021-11-23. Review status: criteria provided, single submitter. Criteria: Invitae Variant Classification Sherloc (09022015). Collection method: clinical testing. Allele origin: germline.
Comment: Algorithms developed to predict the effect of missense changes on protein structure and function (SIFT, PolyPhen-2, Align-GVGD) all suggest that this variant is likely to be tolerated. In summary, the available evidence is currently insufficient to determine the role of this variant in disease. Therefore, it has been classified as a Variant of Uncertain Significance. This variant has not been reported in the literature in individuals affected with SUN2-related conditions. This variant is present in population databases (rs762660159, gnomAD 0.003%). This sequence change replaces glycine, which is neutral and non-polar, with arginine, which is basic and polar, at codon 318 of the SUN2 protein (p.Gly318Arg).

NM_015374.3(SUN2):c.952G>A (p.Gly318Arg)

Genes: GTPBP1 (GTP binding protein 1; plus strand), SUN2 (Sad1 and UNC84 domain containing 2; minus strand). Cytogenetic location: 22q13.1.
Variant type: single nucleotide variant.
Coding change: c.952G>A on transcript NM_015374.3 (MANE Select); coding-DNA position 952, G replaced by A.
Protein change: p.Gly318Arg; replaces glycine 318 with arginine.
Molecular consequence: missense variant. On other transcripts: intron variant (3).
Genome position (GRCh38, 1-based): chr22:38,742,417, C>T on the plus strand (G>A on the coding strand, the complement: SUN2 is on the minus strand). VCF-style: chr22-38742417-C-T. GRCh37 (hg19) VCF-style: chr22-39138422-C-T.
Other names: c.1015G>A, p.Gly339Arg (NM_001199579.2, NM_001394428.1); c.952G>A, p.Gly318Arg (NM_001199580.2, NM_001394431.1, NM_001394432.1 and 5 more transcripts); c.1045G>A, p.Gly349Arg (NM_001394427.1); c.997G>A, p.Gly333Arg (NM_001394429.1, NM_001394430.1); c.862G>A, p.Gly288Arg (NM_001394438.1); c.814G>A, p.Gly272Arg (NM_001394439.1, NM_001394440.1, NM_001394441.1); c.460G>A, p.Gly154Arg (NM_001394443.1); c.615-1985G>A (NM_001394444.1, NM_001394445.1); and 1 more; short protein forms G288R, G318R, G272R, G349R, G333R, G154R, G339R.
Identifiers: ClinVar variation 1518906 (VCV001518906.6), dbSNP rs762660159, ClinGen allele CA10235708.